The following is an entry in ClinVar:

NM_003738.5(PTCH2):c.3153C>T (p.Ala1051=)

Gene: PTCH2 (patched 2; minus strand). Cytogenetic location: 1p34.1.
Variant type: single nucleotide variant.
Coding change: c.3153C>T on transcript NM_003738.5 (MANE Select); coding-DNA position 3153, C replaced by T.
Protein change: p.Ala1051=; no amino-acid change (alanine 1051 retained).
Molecular consequence: synonymous variant.
Genome position (GRCh38, 1-based): chr1:44,823,347, G>A on the plus strand (C>T on the coding strand, the complement: PTCH2 is on the minus strand). VCF-style: chr1-44823347-G-A. GRCh37 (hg19) VCF-style: chr1-45289019-G-A.
Other names: c.3153C>T, p.Ala1051= (NM_001166292.2).
Identifiers: ClinVar variation 2159242 (VCV002159242.28), dbSNP rs369544360, ClinGen allele CA822782.

ClinVar aggregate classification (germline): Likely benign. Review status: criteria provided, multiple submitters, no conflicts (2 of 4 stars). 2 submissions from 2 submitters: Likely benign (2). Last evaluated 2024-08-13.

Conditions:
Gorlin syndrome. Also called: Nevoid Basal Cell Carcinoma Syndrome; Basal cell nevus syndrome. Identifiers: Orphanet 377, MedGen C0004779, MONDO:0007187.

Allele frequency attached by ClinVar (database versions not stated): gnomAD exomes 0.00001; ExAC 0.00002; ESP Exome Variant Server 0.00008.
gnomAD v4.1: 13 of 1,614,096 alleles (0.00081%); highest among the groups gnomAD compares: East Asian, 0.0067%; no homozygotes.

Submissions (2):

Labcorp Genetics (formerly Invitae), Labcorp
Classification: Likely benign for Gorlin syndrome. Last evaluated: 2024-08-13. Review status: criteria provided, single submitter. Criteria: Invitae Variant Classification Sherloc (09022015). Collection method: clinical testing. Allele origin: germline.

CeGaT Center for Human Genetics Tuebingen
Classification: Likely benign. Last evaluated: 2022-11-01. Review status: criteria provided, single submitter. Criteria: CeGaT Center For Human Genetics Tuebingen Variant Classification Criteria Version 2. Collection method: clinical testing. Allele origin: germline. Affected: yes. Observed: 1 variant allele.
Comment: PTCH2: BP4, BP7